The following is an entry in ClinVar:

NM_001369623.2(PI4KB):c.22C>T (p.Pro8Ser)

Gene: PI4KB (phosphatidylinositol 4-kinase beta; minus strand). Cytogenetic location: 1q21.3.
Variant type: single nucleotide variant.
Coding change: c.22C>T on transcript NM_001369623.2 (MANE Select); coding-DNA position 22, C replaced by T.
Protein change: p.Pro8Ser; replaces proline 8 with serine.
Molecular consequence: missense variant. On other transcripts: intron variant (1).
Genome position (GRCh38, 1-based): chr1:151,316,460, G>A on the plus strand (C>T on the coding strand, the complement: PI4KB is on the minus strand). VCF-style: chr1-151316460-G-A. GRCh37 (hg19) VCF-style: chr1-151288936-G-A.
Other names: c.58C>T, p.Pro20Ser (NM_001369628.1, NM_002651.4, NM_001369625.1); c.22C>T, p.Pro8Ser (NM_001369629.2, NM_001198773.3, NM_001198774.2 and 3 more transcripts); c.-42-8659C>T (NM_001198775.3); c.58C>T (NM_002651.3); short protein forms P20S, P8S.
Identifiers: ClinVar variation 4136270 (VCV004136270.2).

ClinVar aggregate classification (germline): Uncertain significance. Review status: criteria provided, multiple submitters, no conflicts (2 of 4 stars). 2 submissions from 2 submitters: Uncertain significance (2). Last evaluated 2026-08-31.

Conditions:
PI4KB-related disorder. Also called: PI4KB-related condition.

gnomAD v4.1: 37 of 1,547,076 alleles (0.0024%); highest among the groups gnomAD compares: Non-Finnish European, 0.0032%; no homozygotes.

Submissions (2):

PreventionGenetics, part of Exact Sciences
Classification: Uncertain significance for PI4KB-related condition. Last evaluated: 2026-08-31. Review status: criteria provided, single submitter. Criteria: ACMG Guidelines, 2015. Collection method: clinical testing. Allele origin: germline.
Comment: The PI4KB c.58C>T variant is predicted to result in the amino acid substitution p.Pro20Ser. To our knowledge, this variant has not been reported in the literature. This variant is reported in 0.0022% of alleles in individuals of European (Non-Finnish) descent in gnomAD. At this time, the clinical significance of this variant is uncertain due to the absence of conclusive functional and genetic evidence.

Ambry Genetics
Classification: Uncertain significance. Last evaluated: 2025-08-02. Review status: criteria provided, single submitter. Criteria: Ambry Variant Classification Scheme 2023. Collection method: clinical testing. Allele origin: germline.